The following is an entry in ClinVar:

NM_001099922.3(ALG13):c.88G>C (p.Glu30Gln)

Gene: ALG13 (ALG13 UDP-N-acetylglucosaminyltransferase subunit; plus strand). Cytogenetic location: Xq23.
Variant type: single nucleotide variant.
Coding change: c.88G>C on transcript NM_001099922.3 (MANE Select); coding-DNA position 88, G replaced by C.
Protein change: p.Glu30Gln; replaces glutamic acid 30 with glutamine.
Molecular consequence: missense variant. On other transcripts: 5 prime UTR variant (6), non-coding transcript variant (1), intron variant (5).
Genome position (GRCh38, 1-based): chrX:111,682,138, G>C. VCF-style: chrX-111682138-G-C. GRCh37 (hg19) VCF-style: chrX-110925366-G-C.
Other names: c.88G>C, p.Glu30Gln (NM_001039210.5, NM_001168385.3, NM_001324290.2 and 2 more transcripts); c.-88G>C (NM_001257231.2, NM_001257241.3); c.-225G>C (NM_001257237.2, NM_001257239.3, NM_001257240.3 and 1 more transcripts); c.-127-98G>C (NM_001257234.2, NM_001257230.2, NM_001257235.3 and 2 more transcripts); short protein forms E30Q.
Identifiers: ClinVar variation 1028564 (VCV001028564.1), dbSNP rs1933583293, ClinGen allele CA414248140.

ClinVar aggregate classification (germline): Uncertain significance (1 of 4 stars; one submission).

Conditions:
Developmental and epileptic encephalopathy, 36 (DEE36). Also called: Epileptic encephalopathy, early infantile, 36; Congenital disorder of glycosylation, type Is; ALG13-CDG. Identifiers: Orphanet 324422, MedGen C4317295, MONDO:0010472, OMIM 300884.

Submission:

Baylor Genetics
Classification: Uncertain significance for Developmental and epileptic encephalopathy, 36. Last evaluated: 2019-08-06. Review status: criteria provided, single submitter. Criteria: ACMG Guidelines, 2015. Collection method: clinical testing. Allele origin: unknown. Affected: yes.
Comment: This variant was determined to be of uncertain significance according to ACMG Guidelines, 2015 [PMID:25741868].